The following is an entry in ClinVar:

NM_001374353.1(GLI2):c.3998G>T (p.Gly1333Val)

Gene: GLI2 (GLI family zinc finger 2; plus strand). Cytogenetic location: 2q14.2.
Variant type: single nucleotide variant.
Coding change: c.3998G>T on transcript NM_001374353.1 (MANE Select); coding-DNA position 3998, G replaced by T.
Protein change: p.Gly1333Val; replaces glycine 1333 with valine.
Molecular consequence: missense variant.
Genome position (GRCh38, 1-based): chr2:120,989,963, G>T. VCF-style: chr2-120989963-G-T. GRCh37 (hg19) VCF-style: chr2-121747539-G-T.
Other names: c.4049G>T, p.Gly1350Val (NM_001371271.1, NM_005270.5); c.3623G>T, p.Gly1208Val (NM_001374354.1); short protein forms G1333V, G1208V, G1350V.
Identifiers: ClinVar variation 4785610 (VCV004785610.1).

ClinVar aggregate classification (germline): Uncertain significance (1 of 4 stars; one submission).

Conditions:
Postaxial polydactyly-anterior pituitary anomalies-facial dysmorphism syndrome. Also called: Culler-Jones syndrome. Identifiers: Orphanet 420584, MedGen C4014479, MONDO:0014369, OMIM 615849.
Holoprosencephaly 9 (HPE9). Also called: PITUITARY ANOMALIES WITH HOLOPROSENCEPHALY-LIKE FEATURES; HOLOPROSENCEPHALY WITH MICROPHTHALMIA AND FIRST BRANCHIAL ARCH ANOMALIES. Identifiers: Orphanet 2162, MedGen C1835819, MONDO:0012563, OMIM 610829.

Submission:

Labcorp Genetics (formerly Invitae), Labcorp
Classification: Uncertain significance for Postaxial polydactyly-anterior pituitary anomalies-facial dysmorphism syndrome; Holoprosencephaly 9. Last evaluated: 2025-12-06. Review status: criteria provided, single submitter. Criteria: Invitae Variant Classification Sherloc (09022015). Collection method: clinical testing. Allele origin: germline.
Comment: This sequence change replaces glycine, which is neutral and non-polar, with valine, which is neutral and non-polar, at codon 1350 of the GLI2 protein (p.Gly1350Val). This variant is not present in population databases (gnomAD no frequency). This variant has not been reported in the literature in individuals affected with GLI2-related conditions. An algorithm developed to predict the effect of missense changes on protein structure and function (PolyPhen-2) suggests that this variant is likely to be disruptive. In summary, the available evidence is currently insufficient to determine the role of this variant in disease. Therefore, it has been classified as a Variant of Uncertain Significance.